The following is an entry in ClinVar:

NC_000006.11:g.(?_74171578)_(74192363_?)del

Gene: MTO1 (mitochondrial tRNA translation optimization 1; plus strand). Cytogenetic location: 6q13.
Variant type: Deletion.
Identifiers: ClinVar variation 1460431 (VCV001460431.4).

ClinVar aggregate classification (germline): Pathogenic (1 of 4 stars; one submission).

Conditions:
Mitochondrial hypertrophic cardiomyopathy with lactic acidosis due to MTO1 deficiency. Also called: CARDIOMYOPATHY, INFANTILE HYPERTROPHIC MITOCHONDRIAL, AND LACTIC ACIDOSIS; Combined oxidative phosphorylation deficiency 10. Identifiers: Orphanet 314637, MedGen C4749921, MONDO:0013865, OMIM 614702.

Submission:

Labcorp Genetics (formerly Invitae), Labcorp
Classification: Pathogenic for Mitochondrial hypertrophic cardiomyopathy with lactic acidosis due to MTO1 deficiency. Last evaluated: 2023-11-02. Review status: criteria provided, single submitter. Criteria: Invitae Variant Classification Sherloc (09022015). Collection method: clinical testing. Allele origin: germline.
Comment: This variant is a gross deletion of the genomic region encompassing exon(s) 1-9 of the MTO1 gene, which includes the initiator codon. This deletion extends beyond the assayed region for this gene and therefore may encompass additional genes. It is expected to result in an absent or disrupted protein product. Loss-of-function variants in MTO1 are known to be pathogenic (PMID: 22608499, 25058219). This variant has not been reported in the literature in individuals affected with MTO1-related conditions. For these reasons, this variant has been classified as Pathogenic.

Literature cited by the submitters: PubMed 22608499; PubMed 25058219.